The following is an entry in ClinVar:

ClinVar aggregate classification (germline): Benign. Review status: criteria provided, single submitter (1 of 4 stars). 2 submissions from 2 submitters: Benign (1). 1 of the submissions does not count toward it. Last evaluated 2018-09-11.

Conditions:
HECW2-related disorder. Also called: HECW2-related condition.

Allele frequency attached by ClinVar (database versions not stated): gnomAD exomes 0.00004 and 0.00012; ExAC 0.00018; TOPMed 0.00045; gnomAD 0.00048 and 0.00051; ESP Exome Variant Server 0.00062; 1000 Genomes Project 30x 0.00078; 1000 Genomes Project 0.00080.
gnomAD v4.1: 139 of 1,614,162 alleles (0.0086%); highest among the groups gnomAD compares: African/African-American, 0.17%; 1 homozygote.

Submissions (2):

Labcorp Genetics (formerly Invitae), Labcorp
Classification: Benign. Last evaluated: 2018-09-11. Review status: criteria provided, single submitter. Criteria: Invitae Variant Classification Sherloc (09022015). Collection method: clinical testing. Allele origin: germline.

PreventionGenetics, part of Exact Sciences
Classification: Likely benign for HECW2-related condition. Last evaluated: 2019-07-18. Review status: no assertion criteria provided. Collection method: clinical testing. Allele origin: germline. Not counted in ClinVar's aggregate classification.
Comment: This variant is classified as likely benign based on ACMG/AMP sequence variant interpretation guidelines (Richards et al. 2015 PMID: 25741868, with internal and published modifications).

NM_001348768.2(HECW2):c.189C>T (p.Ala63=)

Gene: HECW2 (HECT, C2 and WW domain containing E3 ubiquitin protein ligase 2; minus strand). Cytogenetic location: 2q32.3.
Variant type: single nucleotide variant.
Coding change: c.189C>T on transcript NM_001348768.2 (MANE Select); coding-DNA position 189, C replaced by T.
Protein change: p.Ala63=; no amino-acid change (alanine 63 retained).
Molecular consequence: synonymous variant.
Genome position (GRCh38, 1-based): chr2:196,433,235, G>A on the plus strand (C>T on the coding strand, the complement: HECW2 is on the minus strand). VCF-style: chr2-196433235-G-A. GRCh37 (hg19) VCF-style: chr2-197297959-G-A.
Other names: c.189C>T, p.Ala63= (NM_020760.4).
Identifiers: ClinVar variation 736834 (VCV000736834.5), dbSNP rs149975261, ClinGen allele CA2038636.
Genomic context (GRCh38, chr2:196,433,235, plus strand): 5'-TTTAATGTCCCAGAAGATAATGAGGTTCTGGGCTTGCCCCAGCGTGTACTCGTACATGCT[G>A]GCAGTTAAGCTGGAGCGGCTCTCAGAAGTCACCAGGTCGGTGTCGCTGTTGGCCCGCTGC-3'
Protein context (NP_001335697.1, residues 53-73): VTSESRSSLT[Ala63=]SMYEYTLGQA